The following is an entry in ClinVar:

ClinVar aggregate classification (germline): Uncertain significance (1 of 4 stars; one submission).

Conditions:
CUL4B-related disorder. Also called: CUL4B-related condition.

Submission:

PreventionGenetics, part of Exact Sciences
Classification: Uncertain significance for CUL4B-related condition. Last evaluated: 2024-12-19. Review status: criteria provided, single submitter. Criteria: ACMG Guidelines, 2015. Collection method: clinical testing. Allele origin: germline.
Comment: The CUL4B c.1993-3T>A variant is predicted to interfere with splicing. This variant is predicted to alter splicing based on available splicing prediction software (SpliceAI, Jaganathan et al. 2019. PubMed ID: 30661751). However, the use of computer prediction software is not equivalent to functional evidence. To our knowledge, this variant has not been reported in the literature. This variant is reported in 0.0073% of alleles in individuals of Latino descent in gnomAD. At this time, the clinical significance of this variant is uncertain due to the absence of conclusive functional and genetic evidence.

NM_001079872.2(CUL4B):c.1939-3T>A

Gene: CUL4B (cullin 4B; minus strand). Cytogenetic location: Xq24.
Variant type: single nucleotide variant.
Coding change: c.1939-3T>A on transcript NM_001079872.2 (MANE Select); 3 bases into the intron before coding-DNA position 1939, T replaced by A.
Molecular consequence: intron variant.
Genome position (GRCh38, 1-based): chrX:120,537,037, A>T on the plus strand (T>A on the coding strand, the complement: CUL4B is on the minus strand). VCF-style: chrX-120537037-A-T. GRCh37 (hg19) VCF-style: chrX-119670892-A-T.
Other names: c.1993-3T>A (NM_003588.4); c.1954-3T>A (NM_001330624.2); c.1405-3T>A (NM_001369145.1).
Identifiers: ClinVar variation 5000298 (VCV005000298.1).
Genomic context (GRCh38, chrX:120,537,037, plus strand): 5'-TTGTCAGGATATTCACAGTTAACTCAATATTTCCCGGAACATTCTGATTCTGCATATACT[A>T]TAAGAAGATCAAAACACACACTGAGATCTTAAAACTGCATACATTTCATATCATAATAAC-3'